The following is an entry in ClinVar:

ClinVar aggregate classification (germline): Uncertain significance (1 of 4 stars; one submission).

Conditions:
Multiple congenital anomalies-hypotonia-seizures syndrome 1 (MCAHS1). Also called: GLYCOSYLPHOSPHATIDYLINOSITOL BIOSYNTHESIS DEFECT 3; PIGN-CDG; Congenital disorder of glycosylation due to PIGN deficiency. Identifiers: Orphanet 280633, MedGen C3279775, MONDO:0013563, OMIM 614080.

gnomAD v4.1: 3 of 1,543,398 alleles (0.00019%); highest among the groups gnomAD compares: Non-Finnish European, 0.00026%; no homozygotes.

Submission:

Dasa
Classification: Uncertain significance for Multiple congenital anomalies-hypotonia-seizures syndrome 1. Last evaluated: 2025-11-25. Review status: criteria provided, single submitter. Criteria: DASA Assertion Criteria. Collection method: clinical testing. Allele origin: germline.
Comment: NM_176787.5(PIGN):c.2402C>G (p.Thr801Ser) is a missense variant that results in the substitution of threonine with serine. This variant is rare in population databases. The currently available literature and clinical evidence are not sufficient to establish a definitive association between this variant and the reported condition. Therefore, this variant is classified as a variant of uncertain significance.

NM_176787.5(PIGN):c.2402C>G (p.Thr801Ser)

Gene: PIGN (phosphatidylinositol glycan anchor biosynthesis class N; minus strand). Cytogenetic location: 18q21.33.
Variant type: single nucleotide variant.
Coding change: c.2402C>G on transcript NM_176787.5 (MANE Select); coding-DNA position 2402, C replaced by G.
Protein change: p.Thr801Ser; replaces threonine 801 with serine.
Molecular consequence: missense variant.
Genome position (GRCh38, 1-based): chr18:62,085,233, G>C on the plus strand (C>G on the coding strand, the complement: PIGN is on the minus strand). VCF-style: chr18-62085233-G-C. GRCh37 (hg19) VCF-style: chr18-59752466-G-C.
Other names: c.2402C>G, p.Thr801Ser (NM_001438905.1, NM_012327.6, NM_001438896.1 and 1 more transcripts); c.2000C>G, p.Thr667Ser (NM_001438910.1); short protein forms T667S, T801S.
Identifiers: ClinVar variation 4883544 (VCV004883544.2).